The following is an entry in ClinVar:

ClinVar aggregate classification (germline): Uncertain significance (1 of 4 stars; one submission).

Conditions:
Shwachman-Diamond syndrome 1 (SDS1). Also called: LIPOMATOSIS OF PANCREAS, CONGENITAL. Identifiers: MedGen C4692625, MONDO:0044204, OMIM 260400.

Submission:

Neuberg Centre For Genomic Medicine, NCGM
Classification: Uncertain significance for Shwachman-Diamond syndrome 1. Review status: criteria provided, single submitter. Criteria: ACMG Guidelines, 2015. Collection method: clinical testing. Allele origin: germline. Inheritance: Autosomal recessive inheritance. Affected: yes.
Comment: The missense variant c.38C>Tp.Thr13Ile in SBDS gene has not been reported previously as a pathogenic variant nor as a benignvariant, to our knowledge. The variant is novel not in any individuals in gnomAD Exomes and 1000 Genomes. The amino acidThreonine at position 13 is changed to a Isoleucine changing protein sequence and it might alter its composition and physico-chemical properties. The variant is predicted to be damaging by SIFT. The amino acid change p.Thr13Ile in SBDS is predicted asconserved by GERP++ and PhyloP across 100 vertebrates. For these reasons, this variant has been classified as UncertainSignificance.

NM_016038.4(SBDS):c.38C>T (p.Thr13Ile)

Gene: SBDS (SBDS ribosome maturation factor; minus strand). Cytogenetic location: 7q11.21.
Variant type: single nucleotide variant.
Coding change: c.38C>T on transcript NM_016038.4 (MANE Select); coding-DNA position 38, C replaced by T.
Protein change: p.Thr13Ile; replaces threonine 13 with isoleucine.
Molecular consequence: missense variant.
Genome position (GRCh38, 1-based): chr7:66,995,380, G>A on the plus strand (C>T on the coding strand, the complement: SBDS is on the minus strand). VCF-style: chr7-66995380-G-A. GRCh37 (hg19) VCF-style: chr7-66460367-G-A.
Other names: short protein forms T13I.
Identifiers: ClinVar variation 3235038 (VCV003235038.1), dbSNP rs1215736547, ClinGen allele CA367655567.
Genomic context (GRCh38, chr7:66,995,380, plus strand): 5'-TTGTAGCAGGCGATTTCGAAGCGCTTCCCGGCACGCTTCATCCGTACCACGGCCACATTG[G>A]TTAGGCGGATCTGGTTGGTGGGGGTGAAGATCGACATCGCGGCTGTTCAAAGACCCAGAA-3'
Protein context (NP_057122.2, residues 3-23): IFTPTNQIRL[Thr13Ile]NVAVVRMKRA